The following is an entry in ClinVar:

NM_005560.6(LAMA5):c.3101G>A (p.Arg1034His)

Gene: LAMA5 (laminin subunit alpha 5; minus strand). Cytogenetic location: 20q13.33.
Variant type: single nucleotide variant.
Coding change: c.3101G>A on transcript NM_005560.6 (MANE Select); coding-DNA position 3101, G replaced by A.
Protein change: p.Arg1034His; replaces arginine 1034 with histidine.
Molecular consequence: missense variant.
Genome position (GRCh38, 1-based): chr20:62,333,402, C>T on the plus strand (G>A on the coding strand, the complement: LAMA5 is on the minus strand). VCF-style: chr20-62333402-C-T. GRCh37 (hg19) VCF-style: chr20-60908458-C-T.
Other names: c.3101G>A (NM_005560.3); short protein forms R1034H.
Identifiers: ClinVar variation 1918972 (VCV001918972.6), dbSNP rs768998301, ClinGen allele CA9943171.

ClinVar aggregate classification (germline): Conflicting classifications of pathogenicity. Review status: criteria provided, conflicting classifications (1 of 4 stars). 2 submissions from 2 submitters: Uncertain significance (1); Likely benign (1). Last evaluated 2024-10-25.

Conditions:
Inborn genetic diseases. Identifiers: MedGen C0950123, MeSH D030342.

Allele frequency attached by ClinVar (database versions not stated): gnomAD 0.00001; ExAC 0.00002; gnomAD exomes 0.00002; TOPMed 0.00002.

Submissions (2):

Labcorp Genetics (formerly Invitae), Labcorp
Classification: Uncertain significance. Last evaluated: 2024-10-25. Review status: criteria provided, single submitter. Criteria: Invitae Variant Classification Sherloc (09022015). Collection method: clinical testing. Allele origin: germline.
Comment: This sequence change replaces arginine, which is basic and polar, with histidine, which is basic and polar, at codon 1034 of the LAMA5 protein (p.Arg1034His). This variant is present in population databases (rs768998301, gnomAD 0.006%). This variant has not been reported in the literature in individuals affected with LAMA5-related conditions. ClinVar contains an entry for this variant (Variation ID: 1918972). An algorithm developed to predict the effect of missense changes on protein structure and function outputs the following: PolyPhen-2: "Benign". The histidine amino acid residue is found in multiple mammalian species, which suggests that this missense change does not adversely affect protein function. In summary, the available evidence is currently insufficient to determine the role of this variant in disease. Therefore, it has been classified as a Variant of Uncertain Significance.

Ambry Genetics
Classification: Likely benign for Inborn genetic diseases. Last evaluated: 2024-02-22. Review status: criteria provided, single submitter. Criteria: Ambry Variant Classification Scheme 2023. Collection method: clinical testing. Allele origin: germline.